The following is an entry in ClinVar:

ClinVar aggregate classification (germline): Uncertain significance (1 of 4 stars; one submission).

Conditions:
ALG8 congenital disorder of glycosylation. Also called: CONGENITAL DISORDER OF GLYCOSYLATION, TYPE Ih; ALG8-CDG; CDG Ih. Identifiers: Orphanet 79325, MedGen C2931002, MONDO:0011969, OMIM 608104.

Submission:

Labcorp Genetics (formerly Invitae), Labcorp
Classification: Uncertain significance for ALG8 congenital disorder of glycosylation. Last evaluated: 2022-07-12. Review status: criteria provided, single submitter. Criteria: Invitae Variant Classification Sherloc (09022015). Collection method: clinical testing. Allele origin: germline.
Comment: In summary, the available evidence is currently insufficient to determine the role of this variant in disease. Therefore, it has been classified as a Variant of Uncertain Significance. Algorithms developed to predict the effect of missense changes on protein structure and function are either unavailable or do not agree on the potential impact of this missense change (SIFT: "Tolerated"; PolyPhen-2: "Probably Damaging"; Align-GVGD: "Class C0"). ClinVar contains an entry for this variant (Variation ID: 1026054). This variant has not been reported in the literature in individuals affected with ALG8-related conditions. This variant is not present in population databases (gnomAD no frequency). This sequence change replaces histidine, which is basic and polar, with arginine, which is basic and polar, at codon 48 of the ALG8 protein (p.His48Arg).

NM_024079.5(ALG8):c.143A>G (p.His48Arg)

Gene: ALG8 (ALG8 alpha-1,3-glucosyltransferase; minus strand). Cytogenetic location: 11q14.1.
Variant type: single nucleotide variant.
Coding change: c.143A>G on transcript NM_024079.5 (MANE Select); coding-DNA position 143, A replaced by G.
Protein change: p.His48Arg; replaces histidine 48 with arginine.
Molecular consequence: missense variant.
Genome position (GRCh38, 1-based): chr11:78,127,389, T>C on the plus strand (A>G on the coding strand, the complement: ALG8 is on the minus strand). VCF-style: chr11-78127389-T-C. GRCh37 (hg19) VCF-style: chr11-77838435-T-C.
Other names: c.143A>G, p.His48Arg (NM_001007027.3); short protein forms H48R.
Identifiers: ClinVar variation 1026054 (VCV001026054.8), dbSNP rs1861126453, ClinGen allele CA382099747.